The following is an entry in ClinVar:

ClinVar aggregate classification (germline): Uncertain significance (1 of 4 stars; one submission).

Conditions:
Baller-Gerold syndrome (BGS). Also called: CRANIOSYNOSTOSIS WITH RADIAL DEFECTS. Identifiers: Orphanet 1225, MedGen C0265308, MONDO:0009039, OMIM 218600.

Submission:

Labcorp Genetics (formerly Invitae), Labcorp
Classification: Uncertain significance for Baller-Gerold syndrome. Last evaluated: 2025-05-27. Review status: criteria provided, single submitter. Criteria: Invitae Variant Classification Sherloc (09022015). Collection method: clinical testing. Allele origin: germline.
Comment: This sequence change falls in intron 15 of the RECQL4 gene. It does not directly change the encoded amino acid sequence of the RECQL4 protein. This variant is not present in population databases (gnomAD no frequency). This variant has not been reported in the literature in individuals affected with RECQL4-related conditions. ClinVar contains an entry for this variant (Variation ID: 2790309). Algorithms developed to predict the effect of sequence changes on RNA splicing suggest that this variant may disrupt the consensus splice site. In summary, the available evidence is currently insufficient to determine the role of this variant in disease. Therefore, it has been classified as a Variant of Uncertain Significance.

NM_004260.4(RECQL4):c.2756-19_2756-13del

Gene: RECQL4 (RecQ like helicase 4; minus strand). Cytogenetic location: 8q24.3.
Variant type: Deletion.
Coding change: c.2756-19_2756-13del on transcript NM_004260.4 (MANE Select); 19 bases into the intron before coding-DNA position 2756 through 13 bases into the intron before coding-DNA position 2756, 7 bases deleted (AGCCCTG; older notation c.2756-19_2756-13delAGCCCTG).
Molecular consequence: intron variant. On other transcripts: frameshift variant (3).
Genome position (GRCh38, 1-based): chr8:144,512,784-144,512,790, CAGGGCT deleted on the plus strand (AGCCCTG on the coding strand, the reverse complement: RECQL4 is on the minus strand); deleting any 7 consecutive bases within chr8:144,512,784-144,512,793 gives the same sequence; the c. name uses the placement nearest the transcript's 3' end. VCF-style (leftmost placement, unchanged base first): chr8-144512783-GCAGGGCT-G. GRCh37 (hg19) VCF-style: chr8-145738166-GCAGGGCT-G.
Other names: c.2812_2818del, p.Ser938fs (NM_001413019.1); c.1741_1747del, p.Ser581fs (NM_001413023.1); c.1675_1681del, p.Ser559fs (NM_001413041.1); c.2627-19_2627-13del (NM_001413025.1); c.2405-19_2405-13del (NM_001413029.1); c.1619-19_1619-13del (NM_001413032.1, NM_001413027.1, NM_001413030.1); c.1685-19_1685-13del (NM_001413035.1, NM_001413040.1, NM_001413021.1 and 4 more transcripts); c.2462-19_2462-13del (NM_001413017.1); and 9 more; short protein forms S559fs, S581fs, S938fs.
Identifiers: ClinVar variation 2790309 (VCV002790309.3), dbSNP rs2537994556, ClinGen allele CA2739269076.
Genomic context (GRCh38, chr8:144,512,783, plus strand): 5'-AGCCAGTGGTGTGGGTGCAGCTCCAGGTAGCACAGCAAAGTCTCGATGGCTGGGGGCAGA[GCAGGGCT>G]CAGCGGACGCGGGGACAGCCCCTCCACACCCCTGTGGCTTACCCCAGGTTCCTCACCCTC-3'